The following is an entry in ClinVar:

ClinVar aggregate classification (germline): Benign/Likely benign. Review status: criteria provided, multiple submitters, no conflicts (2 of 4 stars). 13 submissions from 13 submitters: Benign (1); Likely benign (7). 5 of the submissions do not count toward it. Last evaluated 2026-07-01.

Conditions:
Inborn genetic diseases. Identifiers: MedGen C0950123, MeSH D030342.
Benign neonatal seizures. Also called: Benign familial neonatal seizures; Convulsions benign familial neonatal dominant form; Autosomal dominant form of benign neonatal seizures; Benign neonatal familial convulsions; Benign familial neonatal epilepsy. Identifiers: Orphanet 1949, MedGen C0220669, MONDO:0016027.
Seizures, benign familial neonatal, 2. Also called: KCNQ3-Related Benign Familial Neonatal Epilepsy; Benign Neonatal Epilepsy 2; CONVULSIONS, BENIGN FAMILIAL NEONATAL, 2; Seizures, benign neonatal, 2; KCNQ3-Related Self-Limited Familial Neonatal Epilepsy (SLFNE). Identifiers: Orphanet 1949, MedGen C1852581, MONDO:0007366, OMIM 121201.
KCNQ3-related disorder. Also called: KCNQ3-related condition; KCNQ3-Related Disorders. Identifiers: MedGen CN381530.
Self-limited epilepsy with centrotemporal spikes. Also called: Rolandic epilepsy; Childhood epilepsy with centrotemporal spikes. Identifiers: Orphanet 1945, MedGen C0376532, MONDO:0007295.

Allele frequency attached by ClinVar (database versions not stated): gnomAD 0.00029 and 0.00031; TOPMed 0.00031; gnomAD exomes 0.00037 and 0.00051; ExAC 0.00041; 1000 Genomes Project 0.00060; 1000 Genomes Project 30x 0.00062; ESP Exome Variant Server 0.00023.
gnomAD v4.1: 784 of 1,614,058 alleles (0.049%); highest among the groups gnomAD compares: Non-Finnish European, 0.062%; 2 homozygotes.

Submissions (13):

CeGaT Center for Human Genetics Tuebingen
Classification: Likely benign. Last evaluated: 2026-07-01. Review status: criteria provided, single submitter. Criteria: CeGaT Center For Human Genetics Tuebingen Variant Classification Criteria Version 2. Collection method: clinical testing. Allele origin: germline. Affected: yes. Observed: 7 variant alleles.
Comment: KCNQ3: BS2

Ambry Genetics
Classification: Likely benign for Inborn genetic diseases. Last evaluated: 2026-05-08. Review status: criteria provided, single submitter. Criteria: Ambry Variant Classification Scheme 2023. Collection method: clinical testing. Allele origin: germline.

Labcorp Genetics (formerly Invitae), Labcorp
Classification: Likely benign for Benign neonatal seizures. Last evaluated: 2026-01-16. Review status: criteria provided, single submitter. Criteria: Invitae Variant Classification Sherloc (09022015). Collection method: clinical testing. Allele origin: germline.

Blueprint Genetics
Classification: Likely benign. Last evaluated: 2024-11-22. Review status: criteria provided, single submitter. Criteria: ACMG Guidelines, 2015. Collection method: clinical testing. Allele origin: germline.

GeneDx
Classification: Benign. Last evaluated: 2021-06-04. Review status: criteria provided, single submitter. Criteria: GeneDx Variant Classification Process June 2021. Collection method: clinical testing. Allele origin: germline. Affected: yes.
Comment: This variant is associated with the following publications: (PMID: 18625963)

Athena Diagnostics
Classification: Likely benign. Last evaluated: 2018-10-23. Review status: criteria provided, single submitter. Criteria: Athena Diagnostics Criteria. Collection method: clinical testing. Allele origin: germline.

Illumina Laboratory Services, Illumina
Classification: Likely benign for Seizures, benign familial neonatal, 2. Last evaluated: 2017-04-28. Review status: criteria provided, single submitter. Criteria: ICSL Variant Classification Criteria 13 December 2019. Collection method: clinical testing. Allele origin: germline.
Comment: This variant was observed as part of a predisposition screen in an ostensibly healthy population. A literature search was performed for the gene, cDNA change, and amino acid change (where applicable). No publications were found based on this search. Allele frequency data from public databases allowed determination this variant is unlikely to cause disease. Therefore, this variant is classified as likely benign.

Breakthrough Genomics
Classification: Likely benign. Review status: criteria provided, single submitter. Criteria: ACMG Guidelines, 2015. Collection method: not provided. Allele origin: germline. Inheritance: Autosomal dominant inheritance. Affected: yes.

PreventionGenetics, part of Exact Sciences
Classification: Likely benign for KCNQ3-related condition. Last evaluated: 2020-06-01. Review status: no assertion criteria provided. Collection method: clinical testing. Allele origin: germline. Not counted in ClinVar's aggregate classification.
Comment: This variant is classified as likely benign based on ACMG/AMP sequence variant interpretation guidelines (Richards et al. 2015 PMID: 25741868, with internal and published modifications).

Bioinformatics Core, Luxembourg Center for Systems Biomedicine
Classification: Pathogenic for Self-limited epilepsy with centrotemporal spikes. Last evaluated: 2017-01-01. Review status: no assertion criteria provided. Collection method: case-control. Allele origin: germline. Affected: yes. Study: EUROEPINOMICS COGIE. Not counted in ClinVar's aggregate classification.

Diagnostic Laboratory, Department of Genetics, University Medical Center Groningen
Classification: Likely benign. Review status: no assertion criteria provided. Collection method: clinical testing. Allele origin: germline. Affected: yes. Study: VKGL Data-share Consensus. Not counted in ClinVar's aggregate classification.

GeneReviews
No classification provided. Condition: Seizures, benign familial neonatal, 2. Review status: no classification provided. Collection method: literature only. Allele origin: germline. Not counted in ClinVar's aggregate classification.
Comment: Variant occurred in 2 sibs: 1 with rolandic epilepsy (no neonatal seizures), 1 with EEG features (CTS) but no seizures.

Genome Diagnostics Laboratory, University Medical Center Utrecht
Classification: Likely benign. Review status: no assertion criteria provided. Collection method: clinical testing. Allele origin: germline. Affected: yes. Study: VKGL Data-share Consensus. Not counted in ClinVar's aggregate classification.

Literature cited by the submitters: PubMed 18625963 (cited by Athena Diagnostics and GeneReviews); PubMed 29358611 (cited by Bioinformatics Core, Luxembourg Center for Systems Biomedicine); NCBI Bookshelf NBK201978 (cited by GeneReviews).

NM_004519.4(KCNQ3):c.2263G>A (p.Asp755Asn)

Gene: KCNQ3 (potassium voltage-gated channel subfamily Q member 3; minus strand). Cytogenetic location: 8q24.22.
Variant type: single nucleotide variant.
Coding change: c.2263G>A on transcript NM_004519.4 (MANE Select); coding-DNA position 2263, G replaced by A.
Protein change: p.Asp755Asn; replaces aspartic acid 755 with asparagine.
Molecular consequence: missense variant.
Genome position (GRCh38, 1-based): chr8:132,129,618, C>T on the plus strand (G>A on the coding strand, the complement: KCNQ3 is on the minus strand). VCF-style: chr8-132129618-C-T. GRCh37 (hg19) VCF-style: chr8-133141865-C-T.
Other names: p.D755N:GAC>AAC; c.1903G>A, p.Asp635Asn (NM_001204824.2); short protein forms D755N, D635N.
Identifiers: ClinVar variation 205988 (VCV000205988.91), dbSNP rs150821246, ClinGen allele CA315642.